The following is an entry in ClinVar:

ClinVar aggregate classification (germline): Uncertain significance (1 of 4 stars; one submission).

Conditions:
TTN-related disorder. Also called: TTN-related disorders; TTN-related condition; TTN-related disease.

Submission:

PreventionGenetics, part of Exact Sciences
Classification: Uncertain significance for TTN-related condition. Last evaluated: 2025-10-21. Review status: criteria provided, single submitter. Criteria: ACMG Guidelines, 2015. Collection method: clinical testing. Allele origin: germline.
Comment: The TTN c.60664G>A variant is predicted to result in the amino acid substitution p.Val20222Ile. To our knowledge, this variant has not been reported in the literature or in a large population database (gnomAD), indicating this variant is rare. At this time, the clinical significance of this variant is uncertain due to the absence of conclusive functional and genetic evidence.

NM_001267550.2(TTN):c.60664G>A (p.Val20222Ile)

Genes: TTN (titin; minus strand), TTN-AS1 (TTN antisense RNA 1; plus strand). Cytogenetic location: 2q31.2.
Variant type: single nucleotide variant.
Coding change: c.60664G>A on transcript NM_001267550.2 (MANE Select); coding-DNA position 60664, G replaced by A.
Protein change: p.Val20222Ile; replaces valine 20222 with isoleucine.
Molecular consequence: missense variant.
Genome position (GRCh38, 1-based): chr2:178,591,061, C>T on the plus strand (G>A on the coding strand, the complement: TTN is on the minus strand). VCF-style: chr2-178591061-C-T. GRCh37 (hg19) VCF-style: chr2-179455788-C-T.
Other names: c.55741G>A, p.Val18581Ile (NM_001256850.1); c.33469G>A, p.Val11157Ile (NM_003319.4); c.52960G>A, p.Val17654Ile (NM_133378.4); c.33844G>A, p.Val11282Ile (NM_133432.3); c.34045G>A, p.Val11349Ile (NM_133437.4); short protein forms V11157I, V17654I, V20222I, V18581I, V11282I, V11349I.
Identifiers: ClinVar variation 4983265 (VCV004983265.1).